The following is an entry in ClinVar:

NM_015474.4(SAMHD1):c.1081G>A (p.Asp361Asn)

Gene: SAMHD1 (SAM and HD domain containing deoxynucleoside triphosphate triphosphohydrolase 1; minus strand). Cytogenetic location: 20q11.23.
Variant type: single nucleotide variant.
Coding change: c.1081G>A on transcript NM_015474.4 (MANE Select); coding-DNA position 1081, G replaced by A.
Protein change: p.Asp361Asn; replaces aspartic acid 361 with asparagine.
Molecular consequence: missense variant.
Genome position (GRCh38, 1-based): chr20:36,912,534, C>T on the plus strand (G>A on the coding strand, the complement: SAMHD1 is on the minus strand). VCF-style: chr20-36912534-C-T. GRCh37 (hg19) VCF-style: chr20-35540937-C-T.
Other names: c.1081G>A, p.Asp361Asn (NM_001363729.2, NM_001363733.2); short protein forms D361N.
Identifiers: ClinVar variation 845094 (VCV000845094.9), dbSNP rs546930607, ClinGen allele CA9844587.

ClinVar aggregate classification (germline): Uncertain significance. Review status: criteria provided, multiple submitters, no conflicts (2 of 4 stars). 3 submissions from 3 submitters: Uncertain significance (2). 1 of the submissions does not count toward it. Last evaluated 2024-05-17.

Conditions:
Aicardi Goutieres syndrome (AGS). Also called: Encephalopathy, familial infantile, with calcification of basal ganglia and chronic cerebrospinal fluid lymphocytosis. Identifiers: Orphanet 51, MedGen C0393591, MONDO:0018866.
Aicardi-Goutieres syndrome 5. Identifiers: Orphanet 51, MedGen C2749659, MONDO:0013059, OMIM 612952.

Allele frequency attached by ClinVar (database versions not stated): gnomAD exomes below 0.00001; ExAC 0.00001; gnomAD 0.00001; 1000 Genomes Project 30x 0.00016; 1000 Genomes Project 0.00020.
gnomAD v4.1: 1 of 1,612,276 alleles (0.000062%); highest among the groups gnomAD compares: South Asian, 0.0011%; no homozygotes.

Submissions (3):

Blueprint Genetics
Classification: Uncertain significance. Last evaluated: 2024-05-17. Review status: criteria provided, single submitter. Criteria: ACMG Guidelines, 2015. Collection method: clinical testing. Allele origin: germline.

Labcorp Genetics (formerly Invitae), Labcorp
Classification: Uncertain significance for Aicardi-Goutieres syndrome 5. Last evaluated: 2022-08-09. Review status: criteria provided, single submitter. Criteria: Invitae Variant Classification Sherloc (09022015). Collection method: clinical testing. Allele origin: germline.
Comment: This sequence change replaces aspartic acid, which is acidic and polar, with asparagine, which is neutral and polar, at codon 361 of the SAMHD1 protein (p.Asp361Asn). This variant is present in population databases (rs546930607, gnomAD 0.003%). This variant has not been reported in the literature in individuals affected with SAMHD1-related conditions. ClinVar contains an entry for this variant (Variation ID: 845094). Algorithms developed to predict the effect of missense changes on protein structure and function (SIFT, PolyPhen-2, Align-GVGD) all suggest that this variant is likely to be tolerated. In summary, the available evidence is currently insufficient to determine the role of this variant in disease. Therefore, it has been classified as a Variant of Uncertain Significance.

Natera, Inc.
Classification: Uncertain significance for Aicardi-Goutieres syndrome. Last evaluated: 2020-09-16. Review status: no assertion criteria provided. Collection method: clinical testing. Allele origin: germline. Not counted in ClinVar's aggregate classification.